The following is an entry in ClinVar:

ClinVar aggregate classification (germline): Uncertain significance (1 of 4 stars; one submission).

Conditions:
ALG6-congenital disorder of glycosylation 1C (CDG1C). Also called: CARBOHYDRATE-DEFICIENT GLYCOPROTEIN SYNDROME, TYPE I, WITH DEFICIENT GLYCOSYLATION OF DOLICHOL-LINKED OLIGOSACCHARIDE; CARBOHYDRATE-DEFICIENT GLYCOPROTEIN SYNDROME, TYPE V; CDG Ic; Congenital disorder of glycosylation type 1C; Congenital disorder of glycosylation, type Ic. Identifiers: Orphanet 79320, MedGen C2930997, MONDO:0011291, OMIM 603147.

Allele frequency attached by ClinVar (database versions not stated): gnomAD exomes below 0.00001; TOPMed below 0.00001; gnomAD 0.00001.
gnomAD v4.1: 3 of 1,609,276 alleles (0.00019%); highest among the groups gnomAD compares: African/African-American, 0.004%; no homozygotes.

Submission:

Labcorp Genetics (formerly Invitae), Labcorp
Classification: Uncertain significance for ALG6-congenital disorder of glycosylation 1C. Last evaluated: 2021-08-28. Review status: criteria provided, single submitter. Criteria: Invitae Variant Classification Sherloc (09022015). Collection method: clinical testing. Allele origin: germline.
Comment: This sequence change replaces isoleucine with valine at codon 296 of the ALG6 protein (p.Ile296Val). The isoleucine residue is weakly conserved and there is a small physicochemical difference between isoleucine and valine. This variant is not present in population databases (ExAC no frequency). This variant has not been reported in the literature in individuals affected with ALG6-related conditions. Algorithms developed to predict the effect of missense changes on protein structure and function output the following: SIFT: "Tolerated"; PolyPhen-2: "Benign"; Align-GVGD: "Class C0". The valine amino acid residue is found in multiple mammalian species, which suggests that this missense change does not adversely affect protein function. In summary, the available evidence is currently insufficient to determine the role of this variant in disease. Therefore, it has been classified as a Variant of Uncertain Significance.

NM_013339.4(ALG6):c.886A>G (p.Ile296Val)

Gene: ALG6 (ALG6 alpha-1,3-glucosyltransferase; plus strand). Cytogenetic location: 1p31.3.
Variant type: single nucleotide variant.
Coding change: c.886A>G on transcript NM_013339.4 (MANE Select); coding-DNA position 886, A replaced by G.
Protein change: p.Ile296Val; replaces isoleucine 296 with valine.
Molecular consequence: missense variant.
Genome position (GRCh38, 1-based): chr1:63,414,130, A>G. VCF-style: chr1-63414130-A-G. GRCh37 (hg19) VCF-style: chr1-63879801-A-G.
Other names: short protein forms I296V.
Identifiers: ClinVar variation 1379975 (VCV001379975.5), dbSNP rs1450720827, ClinGen allele CA340636691.